The following is an entry in ClinVar:

ClinVar aggregate classification (germline): Uncertain significance. Review status: criteria provided, multiple submitters, no conflicts (2 of 4 stars). 2 submissions from 2 submitters: Uncertain significance (2). Last evaluated 2026-01-13.

Conditions:
Hereditary cancer-predisposing syndrome. Also called: Tumor predisposition; Neoplastic Syndromes, Hereditary; Hereditary Cancer Syndrome; Hereditary neoplastic syndrome. Identifiers: Orphanet 140162, MedGen C0027672, MeSH D009386, MONDO:0015356.

Allele frequency attached by ClinVar (database versions not stated): gnomAD 0.00001; TOPMed 0.00001.
gnomAD v4.1: 1 of 1,613,776 alleles (0.000062%); highest among the groups gnomAD compares: Admixed American, 0.0017%; no homozygotes.

Submissions (2):

Ambry Genetics
Classification: Uncertain significance for Hereditary cancer-predisposing syndrome. Last evaluated: 2026-01-13. Review status: criteria provided, single submitter. Criteria: Ambry Variant Classification Scheme 2023. Collection method: clinical testing. Allele origin: germline.
Comment: The p.S415I variant (also known as c.1244G>T), located in coding exon 13 of the POLE gene, results from a G to T substitution at nucleotide position 1244. The serine at codon 415 is replaced by isoleucine, an amino acid with dissimilar properties. This amino acid position is highly conserved in available vertebrate species. In addition, this alteration is predicted to be deleterious by in silico analysis. Since supporting evidence is limited at this time, the clinical significance of this alteration remains unclear.

Labcorp Genetics (formerly Invitae), Labcorp
Classification: Uncertain significance. Last evaluated: 2024-10-17. Review status: criteria provided, single submitter. Criteria: Invitae Variant Classification Sherloc (09022015). Collection method: clinical testing. Allele origin: germline.
Comment: This sequence change replaces serine, which is neutral and polar, with isoleucine, which is neutral and non-polar, at codon 415 of the POLE protein (p.Ser415Ile). This variant is not present in population databases (gnomAD no frequency). This variant has not been reported in the literature in individuals affected with POLE-related conditions. ClinVar contains an entry for this variant (Variation ID: 818690). Invitae Evidence Modeling of protein sequence and biophysical properties (such as structural, functional, and spatial information, amino acid conservation, physicochemical variation, residue mobility, and thermodynamic stability) indicates that this missense variant is expected to disrupt POLE protein function with a positive predictive value of 80%. In summary, the available evidence is currently insufficient to determine the role of this variant in disease. Therefore, it has been classified as a Variant of Uncertain Significance.

NM_006231.4(POLE):c.1244G>T (p.Ser415Ile)

Gene: POLE (DNA polymerase epsilon, catalytic subunit; minus strand). Cytogenetic location: 12q24.33.
Variant type: single nucleotide variant.
Coding change: c.1244G>T on transcript NM_006231.4 (MANE Select); coding-DNA position 1244, G replaced by T.
Protein change: p.Ser415Ile; replaces serine 415 with isoleucine.
Molecular consequence: missense variant.
Genome position (GRCh38, 1-based): chr12:132,673,690, C>A on the plus strand (G>T on the coding strand, the complement: POLE is on the minus strand). VCF-style: chr12-132673690-C-A. GRCh37 (hg19) VCF-style: chr12-133250276-C-A.
Other names: short protein forms S415I.
Identifiers: ClinVar variation 818690 (VCV000818690.9), dbSNP rs1593073447, ClinGen allele CA387359675.